The following is an entry in ClinVar:

NM_001352754.2(ARMC9):c.2207C>A (p.Thr736Asn)

Genes: ARMC9 (armadillo repeat containing 9; plus strand), LOC122861306 (Sharpr-MPRA regulatory region 9410; plus strand). Cytogenetic location: 2q37.1.
Variant type: single nucleotide variant.
Coding change: c.2207C>A on transcript NM_001352754.2 (MANE Select); coding-DNA position 2207, C replaced by A.
Protein change: p.Thr736Asn; replaces threonine 736 with asparagine.
Molecular consequence: missense variant.
Genome position (GRCh38, 1-based): chr2:231,360,829, C>A. VCF-style: chr2-231360829-C-A. GRCh37 (hg19) VCF-style: chr2-232225540-C-A.
Other names: c.2207C>A, p.Thr736Asn (NM_001271466.4); short protein forms T736N.
Identifiers: ClinVar variation 1948405 (VCV001948405.5), dbSNP rs375034723, ClinGen allele CA66862403.

ClinVar aggregate classification (germline): Uncertain significance (1 of 4 stars; one submission).

Allele frequency attached by ClinVar (database versions not stated): gnomAD exomes below 0.00001.
gnomAD v4.1: 3 of 1,535,730 alleles (0.0002%); highest among the groups gnomAD compares: Non-Finnish European, 0.00017%; no homozygotes.

Submission:

Labcorp Genetics (formerly Invitae), Labcorp
Classification: Uncertain significance. Last evaluated: 2024-11-11. Review status: criteria provided, single submitter. Criteria: Invitae Variant Classification Sherloc (09022015). Collection method: clinical testing. Allele origin: germline.
Comment: This sequence change replaces threonine, which is neutral and polar, with asparagine, which is neutral and polar, at codon 736 of the ARMC9 protein (p.Thr736Asn). The frequency data for this variant in the population databases is considered unreliable, as metrics indicate poor data quality at this position in the gnomAD database. This variant has not been reported in the literature in individuals affected with ARMC9-related conditions. ClinVar contains an entry for this variant (Variation ID: 1948405). Experimental studies and prediction algorithms are not available or were not evaluated, and the functional significance of this variant is currently unknown. In summary, the available evidence is currently insufficient to determine the role of this variant in disease. Therefore, it has been classified as a Variant of Uncertain Significance.